The following is an entry in ClinVar:

ClinVar aggregate classification (germline): Conflicting classifications of pathogenicity. Review status: criteria provided, conflicting classifications (1 of 4 stars). 4 submissions from 4 submitters: Uncertain significance (3); Likely benign (1). Last evaluated 2026-01-19.

Conditions:
PCDH15-related disorder. Also called: PCDH15-related condition; PCDH15-related disorders.
Inborn genetic diseases. Identifiers: MedGen C0950123, MeSH D030342.

Allele frequency attached by ClinVar (database versions not stated): gnomAD exomes 0.00004 and 0.00001; TOPMed 0.00006; ExAC 0.00006; gnomAD 0.00009 and 0.00010; ESP Exome Variant Server 0.00031.
gnomAD v4.1: 23 of 1,613,338 alleles (0.0014%); highest among the groups gnomAD compares: African/African-American, 0.029%; no homozygotes.

Submissions (4):

Labcorp Genetics (formerly Invitae), Labcorp
Classification: Likely benign. Last evaluated: 2026-01-19. Review status: criteria provided, single submitter. Criteria: Invitae Variant Classification Sherloc (09022015). Collection method: clinical testing. Allele origin: germline.

GeneDx
Classification: Uncertain significance. Last evaluated: 2025-01-14. Review status: criteria provided, single submitter. Criteria: GeneDx Variant Classification Process June 2021. Collection method: clinical testing. Allele origin: germline. Affected: yes.
Comment: In silico analysis indicates that this missense variant does not alter protein structure/function; Has not been previously published as pathogenic or benign to our knowledge

PreventionGenetics, part of Exact Sciences
Classification: Uncertain significance for PCDH15-related condition. Last evaluated: 2024-11-09. Review status: criteria provided, single submitter. Criteria: ACMG Guidelines, 2015. Collection method: clinical testing. Allele origin: germline.
Comment: The PCDH15 c.5196A>T variant is predicted to result in the amino acid substitution p.Glu1732Asp. To our knowledge, this variant has not been reported in the literature. This variant is reported in 0.040% of alleles in individuals of African descent in gnomAD. At this time, the clinical significance of this variant is uncertain due to the absence of conclusive functional and genetic evidence.

Ambry Genetics
Classification: Uncertain significance for Inborn genetic diseases. Last evaluated: 2024-10-12. Review status: criteria provided, single submitter. Criteria: Ambry Variant Classification Scheme 2023. Collection method: clinical testing. Allele origin: germline.

NM_033056.4(PCDH15):c.5196A>T (p.Glu1732Asp)

Gene: PCDH15 (protocadherin related 15; minus strand). Cytogenetic location: 10q21.1.
Variant type: single nucleotide variant.
Coding change: c.5196A>T on transcript NM_033056.4 (MANE Plus Clinical); coding-DNA position 5196, A replaced by T.
Protein change: p.Glu1732Asp; replaces glutamic acid 1732 with aspartic acid.
Molecular consequence: missense variant. On other transcripts: intron variant (8).
Genome position (GRCh38, 1-based): chr10:53,822,530, T>A on the plus strand (A>T on the coding strand, the complement: PCDH15 is on the minus strand). VCF-style: chr10-53822530-T-A. GRCh37 (hg19) VCF-style: chr10-55582290-T-A.
Other names: c.5217A>T, p.Glu1739Asp (NM_001142763.2); c.5202A>T, p.Glu1734Asp (NM_001142764.2); c.4989A>T, p.Glu1663Asp (NM_001142765.2); c.5187A>T, p.Glu1729Asp (NM_001142766.2); c.5076A>T, p.Glu1692Asp (NM_001142767.2); c.5136A>T, p.Glu1712Asp (NM_001142768.2); c.5127A>T, p.Glu1709Asp (NM_001142773.2); c.5130A>T, p.Glu1710Asp (NM_001354404.2); and 7 more; short protein forms E1692D, E1709D, E1729D, E1734D, E1739D, E1710D, E1663D, E1712D.
Identifiers: ClinVar variation 1514227 (VCV001514227.7), dbSNP rs147717147, ClinGen allele CA5505107.